The following is an entry in ClinVar:

NM_001458.5(FLNC):c.4351C>T (p.Pro1451Ser)

Gene: FLNC (filamin C; plus strand). Cytogenetic location: 7q32.1.
Variant type: single nucleotide variant.
Coding change: c.4351C>T on transcript NM_001458.5 (MANE Select); coding-DNA position 4351, C replaced by T.
Protein change: p.Pro1451Ser; replaces proline 1451 with serine.
Molecular consequence: missense variant.
Genome position (GRCh38, 1-based): chr7:128,847,759, C>T. VCF-style: chr7-128847759-C-T. GRCh37 (hg19) VCF-style: chr7-128487813-C-T.
Other names: c.4351C>T, p.Pro1451Ser (NM_001127487.2); short protein forms P1451S.
Identifiers: ClinVar variation 3362209 (VCV003362209.1).

ClinVar aggregate classification (germline): Uncertain significance (1 of 4 stars; one submission).

gnomAD v4.1: 1 of 1,614,116 alleles (0.000062%); highest among the groups gnomAD compares: Non-Finnish European, 0.000085%; no homozygotes.

Submission:

GeneDx
Classification: Uncertain significance. Last evaluated: 2023-06-02. Review status: criteria provided, single submitter. Criteria: GeneDx Variant Classification Process June 2021. Collection method: clinical testing. Allele origin: germline. Affected: yes.
Comment: Not observed at significant frequency in large population cohorts (gnomAD); In silico analysis supports that this missense variant has a deleterious effect on protein structure/function; Has not been previously published as pathogenic or benign to our knowledge